The following is an entry in ClinVar:

NM_001379451.1(BCORL1):c.1132C>T (p.Pro378Ser)

Gene: BCORL1 (BCL6 corepressor like 1; plus strand). Cytogenetic location: Xq26.1.
Variant type: single nucleotide variant.
Coding change: c.1132C>T on transcript NM_001379451.1 (MANE Select); coding-DNA position 1132, C replaced by T.
Protein change: p.Pro378Ser; replaces proline 378 with serine.
Molecular consequence: missense variant.
Genome position (GRCh38, 1-based): chrX:130,013,904, C>T. VCF-style: chrX-130013904-C-T. GRCh37 (hg19) VCF-style: chrX-129147880-C-T.
Other names: c.1132C>T, p.Pro378Ser (NM_001184772.3, NM_001379450.1, NM_021946.5); short protein forms P378S.
Identifiers: ClinVar variation 1303228 (VCV001303228.2), dbSNP rs1253901089, ClinGen allele CA414580048.

ClinVar aggregate classification (germline): Uncertain significance (1 of 4 stars; one submission).

Allele frequency attached by ClinVar (database versions not stated): gnomAD exomes 0.00001.

Submission:

GeneDx
Classification: Uncertain significance. Last evaluated: 2020-12-31. Review status: criteria provided, single submitter. Criteria: GeneDx Variant Classification Process June 2021. Collection method: clinical testing. Allele origin: germline. Affected: yes.
Comment: Not observed at a significant frequency in large population cohorts (Lek et al., 2016); In silico analysis supports that this missense variant does not alter protein structure/function; Has not been previously published as pathogenic or benign to our knowledge